The following is an entry in ClinVar:

NM_004360.5(CDH1):c.1093_1094del (p.Val365fs)

Gene: CDH1 (cadherin 1; plus strand). Cytogenetic location: 16q22.1.
Variant type: Deletion.
Coding change: c.1093_1094del on transcript NM_004360.5 (MANE Select); coding-DNA positions 1093 to 1094, 2 bases deleted (GT; older notation c.1093_1094delGT).
Protein change: p.Val365fs; shifts the reading frame from valine 365.
Molecular consequence: frameshift variant. On other transcripts: 5 prime UTR variant (2).
Genome position (GRCh38, 1-based): chr16:68,812,219-68,812,220, GT deleted. VCF-style (leftmost placement, unchanged base first): chr16-68812218-AGT-A. GRCh37 (hg19) VCF-style: chr16-68846121-AGT-A.
Other names: c.1093_1094del, p.Val365fs (NM_001317184.2); c.-523_-522del (NM_001317185.2); c.-727_-726del (NM_001317186.2); short protein forms V365fs.
Identifiers: ClinVar variation 2022443 (VCV002022443.5), dbSNP rs2543924388, ClinGen allele CA2580091873.

ClinVar aggregate classification (germline): Pathogenic. Review status: criteria provided, multiple submitters, no conflicts (2 of 4 stars). 2 submissions from 2 submitters: Pathogenic (2). Last evaluated 2025-04-09.

Conditions:
Hereditary cancer-predisposing syndrome. Also called: Neoplastic Syndromes, Hereditary; Hereditary Cancer Syndrome; Tumor predisposition; Hereditary neoplastic syndrome. Identifiers: Orphanet 140162, MedGen C0027672, MeSH D009386, MONDO:0015356.
Hereditary diffuse gastric adenocarcinoma (HDGC). Also called: DIFFUSE GASTRIC AND LOBULAR BREAST CANCER SYNDROME. Identifiers: Orphanet 26106, MedGen C1708349, MONDO:0007648, OMIM 137215.

Submissions (2):

Ambry Genetics
Classification: Pathogenic for Hereditary cancer-predisposing syndrome. Last evaluated: 2025-04-09. Review status: criteria provided, single submitter. Criteria: Ambry Variant Classification Scheme 2023. Collection method: clinical testing. Allele origin: germline.
Comment: The c.1093_1094delGT pathogenic mutation, located in coding exon 8 of the CDH1 gene, results from a deletion of two nucleotides at nucleotide positions 1093 to 1094, causing a translational frameshift with a predicted alternate stop codon (p.V365Hfs*2). This variant is considered to be rare based on population cohorts in the Genome Aggregation Database (gnomAD). This alteration is expected to result in loss of function by premature protein truncation or nonsense-mediated mRNA decay. As such, this alteration is interpreted as a disease-causing mutation.

Labcorp Genetics (formerly Invitae), Labcorp
Classification: Pathogenic for Hereditary diffuse gastric adenocarcinoma. Last evaluated: 2022-08-07. Review status: criteria provided, single submitter. Criteria: Invitae Variant Classification Sherloc (09022015). Collection method: clinical testing. Allele origin: germline.
Comment: For these reasons, this variant has been classified as Pathogenic. Algorithms developed to predict the effect of sequence changes on RNA splicing suggest that this variant may create or strengthen a splice site. This variant has not been reported in the literature in individuals affected with CDH1-related conditions. This variant is not present in population databases (gnomAD no frequency). This sequence change creates a premature translational stop signal (p.Val365Hisfs*2) in the CDH1 gene. It is expected to result in an absent or disrupted protein product. Loss-of-function variants in CDH1 are known to be pathogenic (PMID: 15235021, 20373070).

Literature cited by the submitters: PubMed 15235021 (cited by Labcorp Genetics (formerly Invitae), Labcorp); PubMed 20373070 (cited by Labcorp Genetics (formerly Invitae), Labcorp).